The following is an entry in ClinVar:

ClinVar aggregate classification (germline): Uncertain significance. Review status: criteria provided, multiple submitters, no conflicts (2 of 4 stars). 4 submissions from 4 submitters: Uncertain significance (3). 1 of the submissions does not count toward it. Last evaluated 2026-04-02.

Conditions:
Autosomal recessive nonsyndromic hearing loss 1A (DFNB1A). Also called: GJB6-Related DFNB 1 Nonsyndromic Hearing Loss and Deafness; Deafness, autosomal recessive 1A; Deafness nonsyndromic, Connexin 26 linked; Connexin 26 deafness; Nonsyndromic Hearing Loss and Deafness, DFNB1; GJB2-Related Autosomal Recessive Nonsyndromic Hearing Loss. Identifiers: Orphanet 90636, MedGen C2673759, MONDO:0009076, OMIM 220290.
X-linked mixed hearing loss with perilymphatic gusher. Also called: Deafness, X-linked 2; Gusher syndrome; NANCE DEAFNESS; PERILYMPHATIC GUSHER-DEAFNESS SYNDROME; SENSORINEURAL DEAFNESS, PROFOUND, WITH OR WITHOUT A CONDUCTIVE COMPONENT, ASSOCIATED WITH A UNIQUE DEVELOPMENTAL ABNORMALITY OF THE EAR. Identifiers: Orphanet 383, MedGen C1844678, MONDO:0010576, OMIM 304400.
Mutilating keratoderma (VOWNKL). Also called: Keratoderma hereditarium mutilans. Identifiers: Orphanet 494, MedGen C0265964, MONDO:0007422, OMIM 124500.
Ichthyosis, hystrix-like, with hearing loss. Also called: Hystrix-like ichthyosis with deafness. Identifiers: Orphanet 477, MedGen C1865234, MONDO:0011245.
Palmoplantar keratoderma-deafness syndrome. Also called: Keratoderma palmoplantar, with deafness; Palmoplantar keratoderma and sensorineural deafness; Hereditary palmoplantar keratoderma with deafness (subtype); Focal palmoplantar keratoderma with sensorineural deafness (subtype); Diffuse palmoplantar keratoderma with deafness (subtype). Identifiers: Orphanet 2202, MedGen C1835672, MONDO:0007852, OMIM 148350.
Knuckle pads, deafness AND leukonychia syndrome. Also called: Bart-Pumphrey syndrome. Identifiers: Orphanet 2698, MedGen C0266004, MONDO:0007866, OMIM 149200.
Autosomal dominant keratitis-ichthyosis-hearing loss syndrome. Also called: HID SYNDROME; Senter syndrome; KID SYNDROME, AUTOSOMAL DOMINANT. Identifiers: Orphanet 477, MedGen C0265336, MONDO:0007850, OMIM 148210.
Autosomal dominant nonsyndromic hearing loss 3A. Identifiers: Orphanet 90635, MedGen C2675750, MONDO:0011103, OMIM 601544.

Allele frequency attached by ClinVar (database versions not stated): TOPMed 0.00009; gnomAD exomes 0.00004 and 0.00003; ExAC 0.00006; ESP Exome Variant Server 0.00008; gnomAD 0.00004.
gnomAD v4.1: 48 of 1,613,868 alleles (0.003%); highest among the groups gnomAD compares: East Asian, 0.011%; no homozygotes.

Submissions (4):

Women's Health and Genetics/Laboratory Corporation of America, LabCorp
Classification: Uncertain significance. Last evaluated: 2026-04-02. Review status: criteria provided, single submitter. Criteria: LabCorp Variant Classification Summary - May 2015. Collection method: clinical testing. Allele origin: germline.
Comment: Variant summary: GJB2 c.88A>G (p.Ile30Val) results in a conservative amino acid change located in the Connexin, N-terminal domain (IPR013092) of the encoded protein sequence. Algorithms developed to predict the effect of missense changes on protein structure and function are either unavailable or do not agree on the potential impact of this missense change. The variant allele was found at a frequency of 4.4e-05 in 250470 control chromosomes. This frequency is not significantly higher than estimated for disease-causing variants in GJB2, allowing no conclusion about variant significance. c.88A>G has been reported in the literature as a non-informative genotype (second allele not specified) in individuals affected with deafness of variable etiology (example, Hwa_2003, Roesch_2018, Gallego-Martinez_2019, Xie_2021, Akhbari_2025). These report(s) do not provide unequivocal conclusions about association of the variant with Non-Syndromic Hearing Loss/GJB2-associated hearing loss. At-least one report of its identification as a heterozygous genotype in an individual with co-occurring compound heterozygous pathogenic variant(s) in the SLC26A4 gene, indicating a diagnosis of Pendred syndrome (Xie_2021, SLC26A4 c.919-2A>G; SLC26A4 c.1229C>T, p.Thr410Met), provides supporting evidence for a benign role (alternate molecular basis of disease). To our knowledge, no experimental evidence demonstrating an impact on protein function has been reported. ClinVar contains an entry for this variant (Variation ID: 556318). Based on the evidence outlined above, the variant was classified as VUS-possibly benign.

Fulgent Genetics
Classification: Uncertain significance for Mutilating keratoderma; Autosomal dominant keratitis-ichthyosis-hearing loss syndrome; Palmoplantar keratoderma-deafness syndrome; Knuckle pads, deafness AND leukonychia syndrome; Autosomal recessive nonsyndromic hearing loss 1A; X-linked mixed hearing loss with perilymphatic gusher; Autosomal dominant nonsyndromic hearing loss 3A. Last evaluated: 2021-12-18. Review status: criteria provided, single submitter. Criteria: ACMG Guidelines, 2015. Collection method: clinical testing. Allele origin: unknown.

Juno Genomics, Hangzhou Juno Genomics, Inc
Classification: Uncertain significance for Autosomal recessive nonsyndromic hearing loss 1A. Review status: criteria provided, single submitter. Criteria: ACMG Guidelines, 2015. Collection method: clinical testing. Allele origin: germline.
Comment: Absent from controls (or at extremely low frequency if recessive) in Genome Aggregation Database.;Multiple lines of computational evidence support a deleterious effect on the gene or gene product.

Counsyl
Classification: Uncertain significance for Autosomal recessive nonsyndromic hearing loss 1A. Last evaluated: 2018-01-24. Review status: no assertion criteria provided. Collection method: clinical testing. Allele origin: unknown. Not counted in ClinVar's aggregate classification.

Literature cited by the submitters: PubMed 12792423 (cited by Women's Health and Genetics/Laboratory Corporation of America, LabCorp and Counsyl); PubMed 34335733 (cited by Women's Health and Genetics/Laboratory Corporation of America, LabCorp); PubMed 30828346 (cited by Women's Health and Genetics/Laboratory Corporation of America, LabCorp); PubMed 29320412 (cited by Women's Health and Genetics/Laboratory Corporation of America, LabCorp); PubMed 41205492 (cited by Women's Health and Genetics/Laboratory Corporation of America, LabCorp); PubMed 26043044 (cited by Counsyl).

NM_004004.6(GJB2):c.88A>G (p.Ile30Val)

Gene: GJB2 (gap junction protein beta 2; minus strand). Cytogenetic location: 13q12.11.
Variant type: single nucleotide variant.
Coding change: c.88A>G on transcript NM_004004.6 (MANE Select); coding-DNA position 88, A replaced by G.
Protein change: p.Ile30Val; replaces isoleucine 30 with valine.
Molecular consequence: missense variant.
Genome position (GRCh38, 1-based): chr13:20,189,494, T>C on the plus strand (A>G on the coding strand, the complement: GJB2 is on the minus strand). VCF-style: chr13-20189494-T-C. GRCh37 (hg19) VCF-style: chr13-20763633-T-C.
Other names: short protein forms I30V.
Identifiers: ClinVar variation 556318 (VCV000556318.7), dbSNP rs374625633, ClinGen allele CA6904323.
Genomic context (GRCh38, chr13:20,189,494, plus strand): 5'-CGGCCTGCTCATCTCCCCACACCTCCTTTGCAGCCACAACGAGGATCATAATGCGAAAAA[T>C]GAAGAGGACGGTGAGCCAGATCTTTCCAATGCTGGTGGAGTGTTTGTTCACACCCCCCAG-3'
Protein context (NP_003995.2, residues 20-40): IGKIWLTVLF[Ile30Val]FRIMILVVAA